The following is an entry in ClinVar:

ClinVar aggregate classification (germline): Likely pathogenic (1 of 4 stars; one submission).

Allele frequency attached by ClinVar (database versions not stated): gnomAD exomes below 0.00001.
gnomAD v4.1: 1 of 1,209,708 alleles (0.000083%); highest among the groups gnomAD compares: Non-Finnish European, 0.00011%; no homozygotes.

Submission:

GeneDx
Classification: Likely pathogenic. Last evaluated: 2016-08-02. Review status: criteria provided, single submitter. Criteria: GeneDx Variant Classification (06012015). Collection method: clinical testing. Allele origin: germline. Affected: yes.
Comment: The V342G variant in the PDHA1 gene has not been reported previously as a pathogenic variant, noras a benign variant, to our knowledge. The V342G variant was not observed in approximately 6500individuals of European and African American ancestry in the NHLBI Exome Sequencing Project,indicating it is not a common benign variant in these populations. The V342G variant is aconservative amino acid substitution which occurs at a position that is conserved across species.Insilico analysis predicts this variant is probably damaging to the protein structure/function. The V342Gvariant is a strong candidate for a pathogenic variant, however the possibility it may be a rare benign variantcannot be excluded.

NM_000284.4(PDHA1):c.1025T>G (p.Val342Gly)

Gene: PDHA1 (pyruvate dehydrogenase E1 subunit alpha 1; plus strand). Cytogenetic location: Xp22.12.
Variant type: single nucleotide variant.
Coding change: c.1025T>G on transcript NM_000284.4 (MANE Select); coding-DNA position 1025, T replaced by G.
Protein change: p.Val342Gly; replaces valine 342 with glycine.
Molecular consequence: missense variant.
Genome position (GRCh38, 1-based): chrX:19,359,505, T>G. VCF-style: chrX-19359505-T-G. GRCh37 (hg19) VCF-style: chrX-19377623-T-G.
Other names: c.1139T>G, p.Val380Gly (NM_001173454.2); c.1046T>G, p.Val349Gly (NM_001173455.2); c.932T>G, p.Val311Gly (NM_001173456.2); short protein forms V342G, V311G, V380G, V349G.
Identifiers: ClinVar variation 388168 (VCV000388168.2), dbSNP rs1057523018, ClinGen allele CA16608807.